The following is an entry in ClinVar:

ClinVar aggregate classification (germline): Uncertain significance (1 of 4 stars; one submission).

Conditions:
Multiple acyl-CoA dehydrogenase deficiency (MADD). Also called: GA II; ETHYLMALONIC-ADIPICACIDURIA; Glutaric Acidemia type 2; Glutaric aciduria, type 2; Glutaric acidemia type II; GA 2. Identifiers: Orphanet 26791, MedGen C0268596, MONDO:0009282, OMIM 231680.

Allele frequency attached by ClinVar (database versions not stated): gnomAD exomes below 0.00001; TOPMed below 0.00001; ExAC 0.00002.
gnomAD v4.1: 3 of 1,614,170 alleles (0.00019%); highest among the groups gnomAD compares: Admixed American, 0.0017%; no homozygotes.

Submission:

Labcorp Genetics (formerly Invitae), Labcorp
Classification: Uncertain significance for Multiple acyl-CoA dehydrogenase deficiency. Last evaluated: 2023-08-04. Review status: criteria provided, single submitter. Criteria: Invitae Variant Classification Sherloc (09022015). Collection method: clinical testing. Allele origin: germline.
Comment: In summary, the available evidence is currently insufficient to determine the role of this variant in disease. Therefore, it has been classified as a Variant of Uncertain Significance. Advanced modeling of protein sequence and biophysical properties (such as structural, functional, and spatial information, amino acid conservation, physicochemical variation, residue mobility, and thermodynamic stability) performed at Invitae indicates that this missense variant is expected to disrupt ETFB protein function. ClinVar contains an entry for this variant (Variation ID: 459958). This variant has not been reported in the literature in individuals affected with ETFB-related conditions. This variant is present in population databases (rs746082442, gnomAD 0.003%). This sequence change replaces phenylalanine, which is neutral and non-polar, with serine, which is neutral and polar, at codon 41 of the ETFB protein (p.Phe41Ser).

NM_001985.3(ETFB):c.122T>C (p.Phe41Ser)

Gene: ETFB (electron transfer flavoprotein subunit beta; minus strand). Cytogenetic location: 19q13.41.
Variant type: single nucleotide variant.
Coding change: c.122T>C on transcript NM_001985.3 (MANE Select); coding-DNA position 122, T replaced by C.
Protein change: p.Phe41Ser; replaces phenylalanine 41 with serine.
Molecular consequence: missense variant.
Genome position (GRCh38, 1-based): chr19:51,354,244, A>G on the plus strand (T>C on the coding strand, the complement: ETFB is on the minus strand). VCF-style: chr19-51354244-A-G. GRCh37 (hg19) VCF-style: chr19-51857498-A-G.
Other names: c.395T>C, p.Phe132Ser (NM_001014763.1); short protein forms F41S, F132S.
Identifiers: ClinVar variation 459958 (VCV000459958.5), dbSNP rs746082442, ClinGen allele CA9610860.